The following is an entry in ClinVar:

NM_015015.3(KDM4B):c.2234C>T (p.Ala745Val)

Gene: KDM4B (lysine demethylase 4B; plus strand). Cytogenetic location: 19p13.3.
Variant type: single nucleotide variant.
Coding change: c.2234C>T on transcript NM_015015.3 (MANE Select); coding-DNA position 2234, C replaced by T.
Protein change: p.Ala745Val; replaces alanine 745 with valine.
Molecular consequence: missense variant.
Genome position (GRCh38, 1-based): chr19:5,135,487, C>T. VCF-style: chr19-5135487-C-T. GRCh37 (hg19) VCF-style: chr19-5135498-C-T.
Other names: c.2336C>T, p.Ala779Val (NM_001411148.1); short protein forms A745V, A779V.
Identifiers: ClinVar variation 3026276 (VCV003026276.22), dbSNP rs748009178, ClinGen allele CA9108155.

ClinVar aggregate classification (germline): Uncertain significance (1 of 4 stars; one submission).

Allele frequency attached by ClinVar (database versions not stated): gnomAD exomes below 0.00001; ExAC 0.00001.
gnomAD v4.1: 2 of 1,613,008 alleles (0.00012%); highest among the groups gnomAD compares: East Asian, 0.0022%; no homozygotes.

Submission:

CeGaT Center for Human Genetics Tuebingen
Classification: Uncertain significance. Last evaluated: 2024-03-01. Review status: criteria provided, single submitter. Criteria: CeGaT Center For Human Genetics Tuebingen Variant Classification Criteria Version 2. Collection method: clinical testing. Allele origin: germline. Affected: yes. Observed: 1 variant allele.
Comment: KDM4B: PM2:Supporting, BP4